The following is an entry in ClinVar:

NM_001205293.3(CACNA1E):c.6639T>A (p.Ser2213=)

Gene: CACNA1E (calcium voltage-gated channel subunit alpha1 E; plus strand). Cytogenetic location: 1q25.3.
Variant type: single nucleotide variant.
Coding change: c.6639T>A on transcript NM_001205293.3 (MANE Select); coding-DNA position 6639, T replaced by A.
Protein change: p.Ser2213=; no amino-acid change (serine 2213 retained).
Molecular consequence: synonymous variant.
Genome position (GRCh38, 1-based): chr1:181,798,531, T>A. VCF-style: chr1-181798531-T-A. GRCh37 (hg19) VCF-style: chr1-181767667-T-A.
Other names: c.6510T>A, p.Ser2170= (NM_000721.4); c.6453T>A, p.Ser2151= (NM_001205294.2).
Identifiers: ClinVar variation 1675396 (VCV001675396.33), dbSNP rs2102911632, ClinGen allele CA422281977.

ClinVar aggregate classification (germline): Likely benign (1 of 4 stars; one submission).

Submission:

CeGaT Center for Human Genetics Tuebingen
Classification: Likely benign. Last evaluated: 2022-03-01. Review status: criteria provided, single submitter. Criteria: CeGaT Center For Human Genetics Tuebingen Variant Classification Criteria Version 2. Collection method: clinical testing. Allele origin: germline. Affected: yes. Observed: 1 variant allele.
Comment: CACNA1E: BP4, BP7